The following is an entry in ClinVar:

ClinVar aggregate classification (germline): Likely benign. Review status: criteria provided, multiple submitters, no conflicts (2 of 4 stars). 2 submissions from 2 submitters: Likely benign (2). Last evaluated 2024-12-23.

Allele frequency attached by ClinVar (database versions not stated): ExAC 0.00001; gnomAD exomes 0.00004; TOPMed 0.00006; gnomAD 0.00009.

Submissions (2):

Mayo Clinic Laboratories, Mayo Clinic
Classification: Likely benign. Last evaluated: 2024-12-23. Review status: criteria provided, single submitter. Criteria: ACMG Guidelines, 2015. Collection method: clinical testing. Allele origin: germline. Observed: 1 variant allele.
Comment: BP4, BP7

Labcorp Genetics (formerly Invitae), Labcorp
Classification: Likely benign. Last evaluated: 2024-11-11. Review status: criteria provided, single submitter. Criteria: Invitae Variant Classification Sherloc (09022015). Collection method: clinical testing. Allele origin: germline.

NM_021830.5(TWNK):c.1545C>T (p.Ile515=)

Gene: TWNK (twinkle mtDNA helicase; plus strand). Cytogenetic location: 10q24.31.
Variant type: single nucleotide variant.
Coding change: c.1545C>T on transcript NM_021830.5 (MANE Select); coding-DNA position 1545, C replaced by T.
Protein change: p.Ile515=; no amino-acid change (isoleucine 515 retained).
Molecular consequence: synonymous variant. On other transcripts: non-coding transcript variant (5).
Genome position (GRCh38, 1-based): chr10:100,990,496, C>T. VCF-style: chr10-100990496-C-T. GRCh37 (hg19) VCF-style: chr10-102750253-C-T.
Other names: p.Ile515=; c.1545C>T, p.Ile515= (NM_001163812.2); c.183C>T, p.Ile61= (NM_001163813.2, NM_001163814.2, NM_001368275.1).
Identifiers: ClinVar variation 1932420 (VCV001932420.6), dbSNP rs775464833, ClinGen allele CA5653265.